The following is an entry in ClinVar:

NM_001754.5(RUNX1):c.1307C>T (p.Ser436Phe)

Gene: RUNX1 (RUNX family transcription factor 1; minus strand). Cytogenetic location: 21q22.12.
Variant type: single nucleotide variant.
Coding change: c.1307C>T on transcript NM_001754.5 (MANE Select); coding-DNA position 1307, C replaced by T.
Protein change: p.Ser436Phe; replaces serine 436 with phenylalanine.
Molecular consequence: missense variant.
Genome position (GRCh38, 1-based): chr21:34,792,271, G>A on the plus strand (C>T on the coding strand, the complement: RUNX1 is on the minus strand). VCF-style: chr21-34792271-G-A. GRCh37 (hg19) VCF-style: chr21-36164568-G-A.
Other names: NM_001754.5(RUNX1):c.1307C>T; p.Ser436Phe; c.1226C>T, p.Ser409Phe (NM_001001890.3); short protein forms S409F, S436F.
Identifiers: ClinVar variation 3666186 (VCV003666186.4).

ClinVar aggregate classification (germline): Uncertain significance. Review status: reviewed by expert panel (3 of 4 stars). 3 submissions from 3 submitters: Uncertain significance (1). 2 of the submissions do not count toward it. Last evaluated 2025-05-02.

Conditions:
Hereditary thrombocytopenia and hematological cancer predisposition syndrome associated with RUNX1. Also called: Familial Platelet Disorder with Propensity to Acute Myelogenous Leukemia; Familial thrombocytopenia with propensity to acute myelogenous leukemia; PLATELET DISORDER, ASPIRIN-LIKE; RUNX1 Familial Platelet Disorder with Associated Myeloid Malignancies. Identifiers: Orphanet 71290, MedGen C1832388, MeSH C563324, MONDO:0100083, OMIM 601399.
Inborn genetic diseases. Identifiers: MedGen C0950123, MeSH D030342.
Hereditary thrombocytopenia and hematologic cancer predisposition syndrome. Identifiers: Orphanet 71290, MedGen CN281654, MONDO:0011071.

Submissions (3):

ClinGen Myeloid Malignancy Variant Curation Expert Panel
Classification: Uncertain significance for Hereditary thrombocytopenia and hematologic cancer predisposition syndrome. Last evaluated: 2025-05-02. Review status: reviewed by expert panel. Criteria: ClinGen MyeloMalig ACMG Specifications v2. Collection method: curation. Allele origin: germline. Inheritance: Autosomal dominant inheritance.
Comment: NM_001754.5(RUNX1):c.947A>G (p.Glu316Gly) is a missense variant which has not been reported in any populations featured in any version of gnomAD, allowing for application of PM2_Supporting. This variant has a SpliceAI score of 0 and a REVEL score of 0.325, allowing for application of BP4. In summary, this variant meets criteria to be classified as a variant of uncertain significance. ACMG/AMP criteria applied, as specified by the Myeloid Malignancy Variant Curation Expert Panel for RUNX1: PM2_Supporting, BP4.

Ambry Genetics
Classification: Uncertain significance for Inborn genetic diseases. Last evaluated: 2026-07-07. Review status: criteria provided, single submitter. Criteria: Ambry Variant Classification Scheme 2023. Collection method: clinical testing. Allele origin: germline. Not counted in ClinVar's aggregate classification.
Comment: The p.S436F variant (also known as c.1307C>T), located in coding exon 8 of the RUNX1 gene, results from a C to T substitution at nucleotide position 1307. The serine at codon 436 is replaced by phenylalanine, an amino acid with highly dissimilar properties. This amino acid position is conserved. In addition, this alteration is predicted to be tolerated by in silico analysis. Based on the available evidence, the clinical significance of this variant remains unclear.

Labcorp Genetics (formerly Invitae), Labcorp
Classification: Uncertain significance for Hereditary thrombocytopenia and hematological cancer predisposition syndrome associated with RUNX1. Last evaluated: 2024-05-12. Review status: criteria provided, single submitter. Criteria: Invitae Variant Classification Sherloc (09022015). Collection method: clinical testing. Allele origin: germline. Not counted in ClinVar's aggregate classification.
Comment: This sequence change replaces serine, which is neutral and polar, with phenylalanine, which is neutral and non-polar, at codon 436 of the RUNX1 protein (p.Ser436Phe). This variant is not present in population databases (gnomAD no frequency). This variant has not been reported in the literature in individuals affected with RUNX1-related conditions. Advanced modeling of protein sequence and biophysical properties (such as structural, functional, and spatial information, amino acid conservation, physicochemical variation, residue mobility, and thermodynamic stability) performed at Invitae indicates that this missense variant is not expected to disrupt RUNX1 protein function with a negative predictive value of 80%. In summary, the available evidence is currently insufficient to determine the role of this variant in disease. Therefore, it has been classified as a Variant of Uncertain Significance.